The following is an entry in ClinVar:

ClinVar aggregate classification (germline): Uncertain significance. Review status: criteria provided, multiple submitters, no conflicts (2 of 4 stars). 2 submissions from 2 submitters: Uncertain significance (2). Last evaluated 2025-12-16.

Conditions:
Inborn genetic diseases. Identifiers: MedGen C0950123, MeSH D030342.
MEGF10-related myopathy (CMYO10A). Also called: Congenital myopathy 10A, severe variant. Identifiers: Orphanet 439212, MedGen C3280679, MONDO:0013731, OMIM 614399.

Submissions (2):

Ambry Genetics
Classification: Uncertain significance for Inborn genetic diseases. Last evaluated: 2025-12-16. Review status: criteria provided, single submitter. Criteria: Ambry Variant Classification Scheme 2023. Collection method: clinical testing. Allele origin: germline.

Labcorp Genetics (formerly Invitae), Labcorp
Classification: Uncertain significance for MEGF10-related myopathy. Last evaluated: 2022-03-06. Review status: criteria provided, single submitter. Criteria: Invitae Variant Classification Sherloc (09022015). Collection method: clinical testing. Allele origin: germline.
Comment: Algorithms developed to predict the effect of missense changes on protein structure and function (SIFT, PolyPhen-2, Align-GVGD) all suggest that this variant is likely to be disruptive. In summary, the available evidence is currently insufficient to determine the role of this variant in disease. Therefore, it has been classified as a Variant of Uncertain Significance. This variant has not been reported in the literature in individuals affected with MEGF10-related conditions. This variant is not present in population databases (gnomAD no frequency). This sequence change replaces threonine, which is neutral and polar, with isoleucine, which is neutral and non-polar, at codon 375 of the MEGF10 protein (p.Thr375Ile).

NM_001256545.2(MEGF10):c.1124C>T (p.Thr375Ile)

Gene: MEGF10 (multiple EGF like domains 10; plus strand). Cytogenetic location: 5q23.2.
Variant type: single nucleotide variant.
Coding change: c.1124C>T on transcript NM_001256545.2 (MANE Select); coding-DNA position 1124, C replaced by T.
Protein change: p.Thr375Ile; replaces threonine 375 with isoleucine.
Molecular consequence: missense variant.
Genome position (GRCh38, 1-based): chr5:127,410,595, C>T. VCF-style: chr5-127410595-C-T. GRCh37 (hg19) VCF-style: chr5-126746287-C-T.
Other names: c.1124C>T, p.Thr375Ile (NM_001308119.2, NM_001308121.2, NM_032446.3); c.1124C>T (NM_032446.2); short protein forms T375I.
Identifiers: ClinVar variation 2107368 (VCV002107368.5), dbSNP rs1210982831, ClinGen allele CA360726750.
Genomic context (GRCh38, chr5:127,410,595, plus strand): 5'-GTCCTGAGGGGCTCTACGGCATCAAATGTGACAAACGGTGTCCCTGCCACCTGGAAAACA[C>T]TCATAGGTGAGTGTCAGCTTCCCCTGGAAGGACGTGTCCTGTGAAAGTTTTAACCTTGGT-3'
Protein context (NP_001243474.1, residues 365-385): DKRCPCHLEN[Thr375Ile]HSCHPMSGEC